The following is an entry in ClinVar:

ClinVar aggregate classification (germline): Likely benign. Review status: criteria provided, single submitter (1 of 4 stars). 2 submissions from 2 submitters: Likely benign (1). 1 of the submissions does not count toward it. Last evaluated 2026-07-01.

Conditions:
PKD1L1-related disorder. Also called: PKD1L1-related condition.

Allele frequency attached by ClinVar (database versions not stated): ExAC 0.00004; TOPMed 0.00007; ESP Exome Variant Server 0.00008.
gnomAD v4.1: 145 of 1,614,120 alleles (0.009%); highest among the groups gnomAD compares: Non-Finnish European, 0.011%; no homozygotes.

Submissions (2):

CeGaT Center for Human Genetics Tuebingen
Classification: Likely benign. Last evaluated: 2026-07-01. Review status: criteria provided, single submitter. Criteria: CeGaT Center For Human Genetics Tuebingen Variant Classification Criteria Version 2. Collection method: clinical testing. Allele origin: germline. Affected: yes. Observed: 2 variant alleles.
Comment: PKD1L1: BP4, BP7

PreventionGenetics, part of Exact Sciences
Classification: Likely benign for PKD1L1-related condition. Last evaluated: 2022-09-14. Review status: no assertion criteria provided. Collection method: clinical testing. Allele origin: germline. Not counted in ClinVar's aggregate classification.
Comment: This variant is classified as likely benign based on ACMG/AMP sequence variant interpretation guidelines (Richards et al. 2015 PMID: 25741868, with internal and published modifications).

NM_138295.5(PKD1L1):c.618G>T (p.Thr206=)

Gene: PKD1L1 (polycystin 1 like 1, transient receptor potential channel interacting; minus strand). Cytogenetic location: 7p12.3.
Variant type: single nucleotide variant.
Coding change: c.618G>T on transcript NM_138295.5 (MANE Select); coding-DNA position 618, G replaced by T.
Protein change: p.Thr206=; no amino-acid change (threonine 206 retained).
Molecular consequence: synonymous variant.
Genome position (GRCh38, 1-based): chr7:47,931,223, C>A on the plus strand (G>T on the coding strand, the complement: PKD1L1 is on the minus strand). VCF-style: chr7-47931223-C-A. GRCh37 (hg19) VCF-style: chr7-47970820-C-A.
Identifiers: ClinVar variation 3055754 (VCV003055754.12), dbSNP rs370757738, ClinGen allele CA4254295.